The following is an entry in ClinVar:

NM_018109.4(MTPAP):c.1359C>T (p.Phe453=)

Gene: MTPAP (mitochondrial poly(A) polymerase; minus strand). Cytogenetic location: 10p11.23.
Variant type: single nucleotide variant.
Coding change: c.1359C>T on transcript NM_018109.4 (MANE Select); coding-DNA position 1359, C replaced by T.
Protein change: p.Phe453=; no amino-acid change (phenylalanine 453 retained).
Molecular consequence: synonymous variant.
Genome position (GRCh38, 1-based): chr10:30,315,990, G>A on the plus strand (C>T on the coding strand, the complement: MTPAP is on the minus strand). VCF-style: chr10-30315990-G-A. GRCh37 (hg19) VCF-style: chr10-30604919-G-A.
Identifiers: ClinVar variation 761087 (VCV000761087.9), dbSNP rs768612271, ClinGen allele CA5458973.

ClinVar aggregate classification (germline): Likely benign. Review status: criteria provided, multiple submitters, no conflicts (2 of 4 stars). 2 submissions from 2 submitters: Likely benign (2). Last evaluated 2025-05-08.

Conditions:
MTPAP-related disorder. Also called: MTPAP-related condition.

Allele frequency attached by ClinVar (database versions not stated): gnomAD 0.00004; gnomAD exomes 0.00004 and 0.00008; TOPMed 0.00004; ExAC 0.00010.

Submissions (2):

Labcorp Genetics (formerly Invitae), Labcorp
Classification: Likely benign. Last evaluated: 2025-05-08. Review status: criteria provided, single submitter. Criteria: Invitae Variant Classification Sherloc (09022015). Collection method: clinical testing. Allele origin: germline.

PreventionGenetics, part of Exact Sciences
Classification: Likely benign for MTPAP-related condition. Last evaluated: 2025-04-24. Review status: criteria provided, single submitter. Criteria: ACMG Guidelines, 2015. Collection method: clinical testing. Allele origin: germline.
Comment: This variant is classified as likely benign based on ACMG/AMP sequence variant interpretation guidelines (Richards et al. 2015 PMID: 25741868, with internal and published modifications).